The following is an entry in ClinVar:

ClinVar aggregate classification (germline): Uncertain significance. Review status: criteria provided, multiple submitters, no conflicts (2 of 4 stars). 2 submissions from 2 submitters: Uncertain significance (2). Last evaluated 2024-07-27.

gnomAD v4.1: 6 of 1,599,028 alleles (0.00038%); highest among the groups gnomAD compares: Non-Finnish European, 0.00051%; no homozygotes.

Submissions (2):

Ambry Genetics
Classification: Uncertain significance. Last evaluated: 2024-07-27. Review status: criteria provided, single submitter. Criteria: Ambry Variant Classification Scheme 2023. Collection method: clinical testing. Allele origin: germline.

CeGaT Center for Human Genetics Tuebingen
Classification: Uncertain significance. Last evaluated: 2023-06-01. Review status: criteria provided, single submitter. Criteria: CeGaT Center For Human Genetics Tuebingen Variant Classification Criteria Version 2. Collection method: clinical testing. Allele origin: germline. Affected: yes. Observed: 1 variant allele.
Comment: SIPA1L3: PM2, BP4

NM_015073.3(SIPA1L3):c.751A>T (p.Met251Leu)

Gene: SIPA1L3 (signal induced proliferation associated 1 like 3; plus strand). Cytogenetic location: 19q13.13.
Variant type: single nucleotide variant.
Coding change: c.751A>T on transcript NM_015073.3 (MANE Select); coding-DNA position 751, A replaced by T.
Protein change: p.Met251Leu; replaces methionine 251 with leucine.
Molecular consequence: missense variant.
Genome position (GRCh38, 1-based): chr19:38,082,316, A>T. VCF-style: chr19-38082316-A-T. GRCh37 (hg19) VCF-style: chr19-38572956-A-T.
Other names: c.751A>T (NM_015073.1); short protein forms M251L.
Identifiers: ClinVar variation 2649781 (VCV002649781.25), dbSNP rs1246183328, ClinGen allele CA405597182.